The following is an entry in ClinVar:

NM_025083.5(EDC3):c.498C>T (p.Ser166=)

Gene: EDC3 (enhancer of mRNA decapping 3; minus strand). Cytogenetic location: 15q24.1.
Variant type: single nucleotide variant.
Coding change: c.498C>T on transcript NM_025083.5 (MANE Select); coding-DNA position 498, C replaced by T.
Protein change: p.Ser166=; no amino-acid change (serine 166 retained).
Molecular consequence: synonymous variant.
Genome position (GRCh38, 1-based): chr15:74,656,055, G>A on the plus strand (C>T on the coding strand, the complement: EDC3 is on the minus strand). VCF-style: chr15-74656055-G-A. GRCh37 (hg19) VCF-style: chr15-74948396-G-A.
Other names: c.498C>T, p.Ser166= (NM_001142443.3, NM_001142444.3, NM_001351378.2); c.63C>T, p.Ser21= (NM_001351379.2).
Identifiers: ClinVar variation 3033392 (VCV003033392.2), dbSNP rs562794805, ClinGen allele CA7659074.

ClinVar aggregate classification (germline): Likely benign (0 of 4 stars; one submission).

Conditions:
EDC3-related disorder. Also called: EDC3-related condition.

Allele frequency attached by ClinVar (database versions not stated): gnomAD 0.00001; TOPMed 0.00001; ExAC 0.00002; gnomAD exomes 0.00002; 1000 Genomes Project 0.00020; 1000 Genomes Project 30x 0.00031.
gnomAD v4.1: 16 of 1,611,062 alleles (0.00099%); highest among the groups gnomAD compares: Admixed American, 0.0084%; no homozygotes.

Submission:

PreventionGenetics, part of Exact Sciences
Classification: Likely benign for EDC3-related condition. Last evaluated: 2019-06-12. Review status: no assertion criteria provided. Collection method: clinical testing. Allele origin: germline.
Comment: This variant is classified as likely benign based on ACMG/AMP sequence variant interpretation guidelines (Richards et al. 2015 PMID: 25741868, with internal and published modifications).